The following is an entry in ClinVar:

NM_000719.7(CACNA1C):c.4624C>T (p.Arg1542Cys)

Genes: CACNA1C (calcium voltage-gated channel subunit alpha1 C; plus strand), CACNA1C-AS2 (CACNA1C antisense RNA 2; minus strand). Cytogenetic location: 12p13.33.
Variant type: single nucleotide variant.
Coding change: c.4624C>T on transcript NM_000719.7 (MANE Select); coding-DNA position 4624, C replaced by T.
Protein change: p.Arg1542Cys; replaces arginine 1542 with cysteine.
Molecular consequence: missense variant. On other transcripts: non-coding transcript variant (1).
Genome position (GRCh38, 1-based): chr12:2,668,933, C>T. VCF-style: chr12-2668933-C-T. GRCh37 (hg19) VCF-style: chr12-2778099-C-T.
Other names: c.4768C>T, p.Arg1590Cys (NM_001129827.2, NM_199460.4); c.4690C>T, p.Arg1564Cys (NM_001129829.2); c.4624C>T, p.Arg1542Cys (NM_001129830.3, NM_001129833.2, NM_001129834.2 and 7 more transcripts); c.4708C>T, p.Arg1570Cys (NM_001129831.2); c.4684C>T, p.Arg1562Cys (NM_001129832.2); c.4675C>T, p.Arg1559Cys (NM_001129836.2); c.4591C>T, p.Arg1531Cys (NM_001129837.2, NM_001129838.2, NM_001129846.2 and 1 more transcripts); c.4585C>T, p.Arg1529Cys (NM_001129839.2); and 1 more; short protein forms R1529C, R1531C, R1539C, R1542C, R1559C, R1562C, R1564C, R1570C.
Identifiers: ClinVar variation 3902182 (VCV003902182.1).

ClinVar aggregate classification (germline): Uncertain significance (1 of 4 stars; one submission).

Submission:

Women's Health and Genetics/Laboratory Corporation of America, LabCorp
Classification: Uncertain significance. Last evaluated: 2025-05-15. Review status: criteria provided, single submitter. Criteria: LabCorp Variant Classification Summary - May 2015. Collection method: clinical testing. Allele origin: germline.
Comment: Variant summary: CACNA1C c.4624C>T (p.Arg1542Cys) results in a non-conservative amino acid change in the encoded protein sequence. Algorithms developed to predict the effect of missense changes on protein structure and function all suggest that this variant is likely to be disruptive. Consensus agreement among computation tools predict no significant impact on normal splicing. However, these predictions have yet to be confirmed by functional studies. The variant was absent in 250416 control chromosomes. The available data on variant occurrences in the general population are insufficient to allow any conclusion about variant significance. To our knowledge, no occurrence of c.4624C>T in individuals affected with Timothy Syndrome or Arrhythmia and no experimental evidence demonstrating its impact on protein function have been reported. No submitters have cited clinical-significance assessments for this variant to ClinVar. Based on the evidence outlined above, the variant was classified as uncertain significance.